The following is an entry in ClinVar:

ClinVar aggregate classification (germline): Uncertain significance (1 of 4 stars; one submission).

Conditions:
Polycystic kidney disease 3 with or without polycystic liver disease. Also called: Polycystic kidney disease 3; POLYCYSTIC KIDNEY DISEASE, ADULT, TYPE III; Polycystic Kidney and/or Polycystic Liver Disease 3. Identifiers: MedGen C3887964, MONDO:0010916, OMIM 600666.

Submission:

Victorian Clinical Genetics Services, Murdoch Childrens Research Institute
Classification: Uncertain significance for Polycystic kidney disease 3 with or without polycystic liver disease. Last evaluated: 2025-07-22. Review status: criteria provided, single submitter. Criteria: ACMG Guidelines, 2015. Collection method: clinical testing. Allele origin: germline. Affected: yes.
Comment: This variant is classified as VUS-3A. Evidence in support of pathogenic classification: An alternate nucleotide substitution resulting in the same predicted protein outcome is present in gnomAD <0.001 for a dominant condition (v4: 2 heterozygote(s), 0 homozygote(s)); Missense variant predicted to be damaging by in silico tool(s) or highly conserved with a major amino acid change. Additional information: Variant is predicted to result in a missense amino acid change from Phe to Leu; This variant is heterozygous; This gene is associated with autosomal dominant disease; This variant has no previous evidence of pathogenicity; No published evidence of segregation with disease has been identified for this variant; No published functional evidence has been identified for this variant; No comparable missense variants have previous evidence for pathogenicity; Variant is not located in an established domain, motif, hotspot or informative constraint region; Loss of function is a known mechanism of disease in this gene and is associated with polycystic kidney disease 3 (MIM#600666); Inheritance information for this variant is not currently available in this individual.

NM_198334.3(GANAB):c.1095C>A (p.Phe365Leu)

Gene: GANAB (glucosidase II alpha subunit; minus strand). Cytogenetic location: 11q12.3.
Variant type: single nucleotide variant.
Coding change: c.1095C>A on transcript NM_198334.3 (MANE Select); coding-DNA position 1095, C replaced by A.
Protein change: p.Phe365Leu; replaces phenylalanine 365 with leucine.
Molecular consequence: missense variant.
Genome position (GRCh38, 1-based): chr11:62,631,085, G>T on the plus strand (C>A on the coding strand, the complement: GANAB is on the minus strand). VCF-style: chr11-62631085-G-T. GRCh37 (hg19) VCF-style: chr11-62398557-G-T.
Other names: c.819C>A, p.Phe273Leu (NM_001278192.2); c.753C>A, p.Phe251Leu (NM_001278193.2); c.804C>A, p.Phe268Leu (NM_001278194.2, NM_001329222.2, NM_001329223.2); c.372C>A, p.Phe124Leu (NM_001329224.2, NM_001329225.2); c.1161C>A, p.Phe387Leu (NM_198335.4); short protein forms F124L, F251L, F268L, F273L, F365L, F387L.
Identifiers: ClinVar variation 4532076 (VCV004532076.1).
Genomic context (GRCh38, chr11:62,631,085, plus strand): 5'-TGTACCTGTGAGACTAGCATATTGCCGGAAAACATCAGAGATGGAGGGCCCCAGCAGCAG[G>T]AAGACGTCAATGATGCCAGTCTCTGACATCCAGCGAACATCTGTCTGTGGGGTCTCCCCA-3'
Protein context (NP_938148.1, residues 355-375): WMSETGIIDV[Phe365Leu]LLLGPSISDV